The following is an entry in ClinVar:

NM_022114.4(PRDM16):c.1882G>A (p.Asp628Asn)

Gene: PRDM16 (PR/SET domain 16; plus strand). Cytogenetic location: 1p36.32.
Variant type: single nucleotide variant.
Coding change: c.1882G>A on transcript NM_022114.4 (MANE Select); coding-DNA position 1882, G replaced by A.
Protein change: p.Asp628Asn; replaces aspartic acid 628 with asparagine.
Molecular consequence: missense variant.
Genome position (GRCh38, 1-based): chr1:3,412,079, G>A. VCF-style: chr1-3412079-G-A. GRCh37 (hg19) VCF-style: chr1-3328643-G-A.
Other names: c.1882G>A, p.Asp628Asn (NM_199454.3); short protein forms D628N.
Identifiers: ClinVar variation 406247 (VCV000406247.24), dbSNP rs199895459, ClinGen allele CA544322.

ClinVar aggregate classification (germline): Conflicting classifications of pathogenicity. Review status: criteria provided, conflicting classifications (1 of 4 stars). 5 submissions from 5 submitters: Uncertain significance (2); Likely benign (3). Last evaluated 2026-01-18.

Conditions:
Left ventricular noncompaction 8 (LVNC8). Identifiers: Orphanet 154, Orphanet 54260, MedGen C3809288, MONDO:0014152, OMIM 615373.

Allele frequency attached by ClinVar (database versions not stated): 1000 Genomes Project 30x 0.00016; 1000 Genomes Project 0.00020; ExAC 0.00021; gnomAD exomes 0.00023 and 0.00041; gnomAD 0.00025 and 0.00026; TOPMed 0.00032; ESP Exome Variant Server 0.00039.
gnomAD v4.1: 623 of 1,596,556 alleles (0.039%); highest among the groups gnomAD compares: Non-Finnish European, 0.05%; no homozygotes.

Submissions (5):

Labcorp Genetics (formerly Invitae), Labcorp
Classification: Uncertain significance for Left ventricular noncompaction 8. Last evaluated: 2026-01-18. Review status: criteria provided, single submitter. Criteria: Invitae Variant Classification Sherloc (09022015). Collection method: clinical testing. Allele origin: germline.
Comment: This sequence change replaces aspartic acid, which is acidic and polar, with asparagine, which is neutral and polar, at codon 628 of the PRDM16 protein (p.Asp628Asn). This variant is present in population databases (rs199895459, gnomAD 0.04%), and has an allele count higher than expected for a pathogenic variant. This missense change has been observed in individual(s) with dilated cardiomyopathy (PMID: 36178741). ClinVar contains an entry for this variant (Variation ID: 406247). An algorithm developed to predict the effect of missense changes on protein structure and function (PolyPhen-2) suggests that this variant is likely to be disruptive. In summary, the available evidence is currently insufficient to determine the role of this variant in disease. Therefore, it has been classified as a Variant of Uncertain Significance.

GeneDx
Classification: Uncertain significance. Last evaluated: 2025-09-10. Review status: criteria provided, single submitter. Criteria: GeneDx Variant Classification Process June 2021. Collection method: clinical testing. Allele origin: germline. Affected: yes.
Comment: In silico analysis suggests that this missense variant does not alter protein structure/function; This variant is associated with the following publications: (PMID: 29517769, 36178741, 30847666)

CeGaT Center for Human Genetics Tuebingen
Classification: Likely benign. Last evaluated: 2025-09-01. Review status: criteria provided, single submitter. Criteria: CeGaT Center For Human Genetics Tuebingen Variant Classification Criteria Version 2. Collection method: clinical testing. Allele origin: germline. Affected: yes. Observed: 1 variant allele.
Comment: PRDM16: BS1

Blueprint Genetics
Classification: Likely benign. Last evaluated: 2024-09-02. Review status: criteria provided, single submitter. Criteria: ACMG Guidelines, 2015. Collection method: clinical testing. Allele origin: germline.

Women's Health and Genetics/Laboratory Corporation of America, LabCorp
Classification: Likely benign. Last evaluated: 2023-12-04. Review status: criteria provided, single submitter. Criteria: LabCorp Variant Classification Summary - May 2015. Collection method: clinical testing. Allele origin: germline.
Comment: Variant summary: PRDM16 c.1882G>A (p.Asp628Asn) results in a conservative amino acid change in the encoded protein sequence. Three of five in-silico tools predict a damaging effect of the variant on protein function. The variant allele was found at a frequency of 0.00023 in 237422 control chromosomes, predominantly at a frequency of 0.00043 within the Non-Finnish European subpopulation in the gnomAD database. The observed variant frequency within Non-Finnish European control individuals in the gnomAD database is approximately 8.6 fold of the estimated maximal expected allele frequency for a pathogenic variant in PRDM16 causing Cardiomyopathy phenotype (5e-05), strongly suggesting that the variant is a benign polymorphism found primarily in populations of Non-Finnish European origin. c.1882G>A has been reported in the literature in an individual(s) affected with Cardiomyopathy without strong evidence of causality (van der Meulen_2022). This report does not provide unequivocal conclusions about association of the variant with Cardiomyopathy. To our knowledge, no experimental evidence demonstrating an impact on protein function has been reported. The following publication has been ascertained in the context of this evaluation (PMID: 36178741). Two submitters have cited clinical-significance assessments for this variant to ClinVar after 2014. Both submitters classified the variant as uncertain significance. Based on the evidence outlined above, the variant was classified as likely benign.

Literature cited by the submitters: PubMed 36178741 (cited by Labcorp Genetics (formerly Invitae), Labcorp and Women's Health and Genetics/Laboratory Corporation of America, LabCorp).